The following is an entry in ClinVar:

NM_000179.3(MSH6):c.255del (p.Thr86fs)

Genes: MSH6 (mutS homolog 6; plus strand), LOC129933707 (ATAC-STARR-seq lymphoblastoid silent region 11468; plus strand). Cytogenetic location: 2p16.3.
Variant type: Deletion.
Coding change: c.255del on transcript NM_000179.3 (MANE Select); coding-DNA position 255, one base deleted (C; older notation c.255delC).
Protein change: p.Thr86fs; shifts the reading frame from threonine 86.
Molecular consequence: frameshift variant. On other transcripts: 5 prime UTR variant (1), intron variant (1).
Genome position (GRCh38, 1-based): chr2:47,783,488, C deleted; the last of 5 consecutive C bases (chr2:47,783,484-47,783,488); deleting any one gives the same sequence. VCF-style (leftmost placement, unchanged base first): chr2-47783483-GC-G. GRCh37 (hg19) VCF-style: chr2-48010622-GC-G.
Other names: c.-482del (NM_001281493.2); c.237+18del (NM_001281492.2); c.255delC (NM_000179.2); short protein forms T86fs.
Identifiers: ClinVar variation 418319 (VCV000418319.4), dbSNP rs1064793183, ClinGen allele CA16617621.
Genomic context (GRCh38, chr2:47,783,483, plus strand): 5'-GCGTCACCGCCCAAGGCGAAGAACCTCAACGGAGGGCTGCGGAGATCGGTAGCGCCTGCT[GC>G]CCCCACCAGGTAGCGGGGTGGGGGTGGGGTCGAAGGCGGGGGCATAGCGGCGGGGCGCTT-3'

ClinVar aggregate classification (germline): Pathogenic. Review status: criteria provided, multiple submitters, no conflicts (2 of 4 stars). 3 submissions from 3 submitters: Pathogenic (3). Last evaluated 2025-10-01.

Conditions:
Lynch syndrome 5 (LYNCH5). Also called: Hereditary non-polyposis colorectal cancer, type 5; Colorectal cancer, hereditary nonpolyposis, type 5. Identifiers: Orphanet 144, MedGen C1833477, MONDO:0013710, OMIM 614350. Disease mechanism: loss of function.
Hereditary cancer-predisposing syndrome. Also called: Hereditary neoplastic syndrome; Tumor predisposition; Neoplastic Syndromes, Hereditary; Hereditary Cancer Syndrome. Identifiers: Orphanet 140162, MedGen C0027672, MeSH D009386, MONDO:0015356.

Submissions (3):

Ambry Genetics
Classification: Pathogenic for Hereditary cancer-predisposing syndrome. Last evaluated: 2025-10-01. Review status: criteria provided, single submitter. Criteria: Ambry Variant Classification Scheme 2023. Collection method: clinical testing. Allele origin: germline.
Comment: The c.255delC pathogenic mutation, located in coding exon 1 of the MSH6 gene, results from a deletion of one nucleotide at nucleotide position 255, causing a translational frameshift with a predicted alternate stop codon (p.T86Pfs*63). This alteration is expected to result in loss of function by premature protein truncation or nonsense-mediated mRNA decay. As such, this alteration is interpreted as a disease-causing mutation.

Myriad Genetics, Inc.
Classification: Pathogenic for Lynch syndrome 5. Last evaluated: 2023-08-09. Review status: criteria provided, single submitter. Criteria: Myriad Autosomal Dominant, Autosomal Recessive and X-Linked Classification Criteria (2023). Collection method: clinical testing. Allele origin: unknown.
Comment: This variant is considered pathogenic. This variant creates a frameshift predicted to result in premature protein truncation.

GeneDx
Classification: Pathogenic. Last evaluated: 2014-11-12. Review status: criteria provided, single submitter. Criteria: GeneDx Variant Classification (06012015). Collection method: clinical testing. Allele origin: germline. Affected: yes.
Comment: This deletion of one nucleotide in MSH6 is denoted c.255delC at the cDNA level and p.Thr86ProfsX63 (T86PfsX63) at the protein level. The normal sequence, with the bases that are deleted in brackets, is GCCCC[C]ACCA. The deletion causes a frameshift, which changes a Threonine to a Proline at codon 86, and creates a premature stop codon at position 63 of the new reading frame. Although this variant has not, to our knowledge, been reported in the literature, it is predicted to cause loss of normal protein function through either protein truncation or nonsense-mediated mRNA decay. we consider this variant to be pathogenic.